The following is an entry in ClinVar:

NM_182931.3(KMT2E):c.2621G>A (p.Arg874Gln)

Gene: KMT2E (lysine methyltransferase 2E (inactive); plus strand). Cytogenetic location: 7q22.3.
Variant type: single nucleotide variant.
Coding change: c.2621G>A on transcript NM_182931.3 (MANE Select); coding-DNA position 2621, G replaced by A.
Protein change: p.Arg874Gln; replaces arginine 874 with glutamine.
Molecular consequence: missense variant.
Genome position (GRCh38, 1-based): chr7:105,106,546, G>A. VCF-style: chr7-105106546-G-A. GRCh37 (hg19) VCF-style: chr7-104746993-G-A.
Other names: c.2621G>A, p.Arg874Gln (NM_001410908.1, NM_018682.4); short protein forms R874Q.
Identifiers: ClinVar variation 3254806 (VCV003254806.1), dbSNP rs2536506012.
Genomic context (GRCh38, chr7:105,106,546, plus strand): 5'-AGTGTAATTTCTTACAGATTATTATTTCACCAACAGATTTAACTACACCACTAAAAAAAC[G>A]AAGATTTTATCAGTTGCTAGATTCGGTTTACTCAGAAACCTCCACACCTACTCCTTCCCC-3'
Protein context (NP_891847.1, residues 864-884): LPDLTTPLKK[Arg874Gln]RFYQLLDSVY

ClinVar aggregate classification (germline): Uncertain significance (1 of 4 stars; one submission).

Conditions:
O'Donnell-Luria-Rodan syndrome (ODLURO). Also called: KMT2E-Related Neurodevelopmental Disorder. Identifiers: MedGen C5193138, MONDO:0032793, OMIM 618512.

Allele frequency attached by ClinVar (database versions not stated): gnomAD exomes below 0.00001.

Submission:

Victorian Clinical Genetics Services, Murdoch Childrens Research Institute
Classification: Uncertain significance for O'Donnell-Luria-Rodan syndrome. Last evaluated: 2023-07-17. Review status: criteria provided, single submitter. Criteria: ACMG Guidelines, 2015. Collection method: clinical testing. Allele origin: germline. Inheritance: Autosomal dominant inheritance. Affected: yes.
Comment: Based on the classification scheme VCGS_Germline_v1.3.4, this variant is classified as VUS-3B. Following criteria are met: 0102 - Loss of function is a known mechanism of disease in this gene and is associated with O'Donnell-Luria-Rodan syndrome (MIM#618512). (I) 0107 - This gene is associated with autosomal dominant disease. (I) 0200 - Variant is predicted to result in a missense amino acid change from arginine to glutamine. (I) 0251 - This variant is heterozygous. (I) 0301 - Variant is absent from gnomAD (both v2 and v3). (SP) 0502 - Missense variant with conflicting in silico predictions and high conservation. (I) 0604 - Variant is not located in an established domain, motif, hotspot or informative constraint region. (I) 0705 - No comparable missense variants have previous evidence for pathogenicity. (I) 0807 - This variant has no previous evidence of pathogenicity. (I) 0905 - No published segregation evidence has been identified for this variant. (I) 1007 - No published functional evidence has been identified for this variant. (I) 1208 - Inheritance information for this variant is not currently available in this individual. (I) Legend: (SP) - Supporting pathogenic, (I) - Information, (SB) - Supporting benign